The following is an entry in ClinVar:

ClinVar aggregate classification (germline): Uncertain significance. Review status: criteria provided, multiple submitters, no conflicts (2 of 4 stars). 4 submissions from 4 submitters: Uncertain significance (4). Last evaluated 2025-05-26.

Conditions:
Inborn genetic diseases. Identifiers: MedGen C0950123, MeSH D030342.

Allele frequency attached by ClinVar (database versions not stated): ExAC 0.00001; 1000 Genomes Project 0.00020; gnomAD 0.00002; 1000 Genomes Project 30x 0.00016; TOPMed 0.00004.

Submissions (4):

Labcorp Genetics (formerly Invitae), Labcorp
Classification: Uncertain significance. Last evaluated: 2025-05-26. Review status: criteria provided, single submitter. Criteria: Invitae Variant Classification Sherloc (09022015). Collection method: clinical testing. Allele origin: germline.
Comment: This sequence change replaces glycine, which is neutral and non-polar, with aspartic acid, which is acidic and polar, at codon 1045 of the SAMD9 protein (p.Gly1045Asp). This variant is present in population databases (rs576422045, gnomAD 0.003%). This variant has not been reported in the literature in individuals affected with SAMD9-related conditions. ClinVar contains an entry for this variant (Variation ID: 2663163). Invitae Evidence Modeling of protein sequence and biophysical properties (such as structural, functional, and spatial information, amino acid conservation, physicochemical variation, residue mobility, and thermodynamic stability) indicates that this missense variant is not expected to disrupt SAMD9 protein function with a negative predictive value of 95%. In summary, the available evidence is currently insufficient to determine the role of this variant in disease. Therefore, it has been classified as a Variant of Uncertain Significance.

Women's Health and Genetics/Laboratory Corporation of America, LabCorp
Classification: Uncertain significance. Last evaluated: 2025-04-01. Review status: criteria provided, single submitter. Criteria: LabCorp Variant Classification Summary - May 2015. Collection method: clinical testing. Allele origin: germline.
Comment: Variant summary: SAMD9 c.3134G>A (p.Gly1045Asp) results in a non-conservative amino acid change in the encoded protein sequence. Four of five in-silico tools predict a benign effect of the variant on protein function. The variant allele was found at a frequency of 4e-06 in 251094 control chromosomes (gnomAD). The available data on variant occurrences in the general population are insufficient to allow any conclusion about variant significance. To our knowledge, no occurrence of c.3134G>A in individuals affected with MIRAGE Syndrome and no experimental evidence demonstrating its impact on protein function have been reported. ClinVar contains an entry for this variant (Variation ID: 2663163). Based on the evidence outlined above, the variant was classified as uncertain significance.

Ambry Genetics
Classification: Uncertain significance for Inborn genetic diseases. Last evaluated: 2025-03-29. Review status: criteria provided, single submitter. Criteria: Ambry Variant Classification Scheme 2023. Collection method: clinical testing. Allele origin: germline.
Comment: The p.G1045D variant (also known as c.3134G>A), located in coding exon 1 of the SAMD9 gene, results from a G to A substitution at nucleotide position 3134. The glycine at codon 1045 is replaced by aspartic acid, an amino acid with similar properties. This amino acid position is conserved. In addition, this alteration is predicted to be tolerated by in silico analysis. Based on the available evidence, the clinical significance of this variant remains unclear.

GeneDx
Classification: Uncertain significance. Last evaluated: 2023-05-09. Review status: criteria provided, single submitter. Criteria: GeneDx Variant Classification Process June 2021. Collection method: clinical testing. Allele origin: germline. Affected: yes.
Comment: Not observed at significant frequency in large population cohorts (gnomAD); In silico analysis supports that this missense variant does not alter protein structure/function; Has not been previously published as pathogenic or benign to our knowledge; This variant is associated with the following publications: (PMID: 28545555)

NM_017654.4(SAMD9):c.3134G>A (p.Gly1045Asp)

Gene: SAMD9 (sterile alpha motif domain containing 9; minus strand). Cytogenetic location: 7q21.2.
Variant type: single nucleotide variant.
Coding change: c.3134G>A on transcript NM_017654.4 (MANE Select); coding-DNA position 3134, G replaced by A.
Protein change: p.Gly1045Asp; replaces glycine 1045 with aspartic acid.
Molecular consequence: missense variant.
Genome position (GRCh38, 1-based): chr7:93,102,964, C>T on the plus strand (G>A on the coding strand, the complement: SAMD9 is on the minus strand). VCF-style: chr7-93102964-C-T. GRCh37 (hg19) VCF-style: chr7-92732277-C-T.
Other names: c.3134G>A, p.Gly1045Asp (NM_001193307.2); short protein forms G1045D.
Identifiers: ClinVar variation 2663163 (VCV002663163.8), dbSNP rs576422045, ClinGen allele CA4342743.